The following is an entry in ClinVar:

NM_022552.5(DNMT3A):c.187G>A (p.Gly63Ser)

Gene: DNMT3A (DNA methyltransferase 3 alpha; minus strand). Cytogenetic location: 2p23.3.
Variant type: single nucleotide variant.
Coding change: c.187G>A on transcript NM_022552.5 (MANE Select); coding-DNA position 187, G replaced by A.
Protein change: p.Gly63Ser; replaces glycine 63 with serine.
Molecular consequence: missense variant. On other transcripts: non-coding transcript variant (1).
Genome position (GRCh38, 1-based): chr2:25,282,702, C>T on the plus strand (G>A on the coding strand, the complement: DNMT3A is on the minus strand). VCF-style: chr2-25282702-C-T. GRCh37 (hg19) VCF-style: chr2-25505571-C-T.
Other names: c.187G>A, p.Gly63Ser (NM_001320892.2, NM_175629.2, NM_175630.1); short protein forms G63S.
Identifiers: ClinVar variation 783183 (VCV000783183.31), dbSNP rs781108426, ClinGen allele CA1556517.

ClinVar aggregate classification (germline): Conflicting classifications of pathogenicity. Review status: criteria provided, conflicting classifications (1 of 4 stars). 3 submissions from 3 submitters: Uncertain significance (1); Benign (1); Likely benign (1). Last evaluated 2026-08-04.

Conditions:
DNMT3A-related disorder. Also called: DNMT3A-related disorders; DNMT3A-related condition.
Tatton-Brown-Rahman overgrowth syndrome. Also called: Tall stature-intellectual disability-facial dysmorphism syndrome; Tatton-Brown-Rahman syndrome. Identifiers: Orphanet 404443, MedGen C4014545, MONDO:0014382, OMIM 615879.

Allele frequency attached by ClinVar (database versions not stated): TOPMed below 0.00001; gnomAD 0.00001; gnomAD exomes 0.00001; ExAC 0.00002.
gnomAD v4.1: 11 of 1,525,676 alleles (0.00072%); highest among the groups gnomAD compares: Admixed American, 0.0044%; no homozygotes.

Submissions (3):

PreventionGenetics, part of Exact Sciences
Classification: Uncertain significance for DNMT3A-related condition. Last evaluated: 2026-08-04. Review status: criteria provided, single submitter. Criteria: ACMG Guidelines, 2015. Collection method: clinical testing. Allele origin: germline.
Comment: The DNMT3A c.187G>A variant is predicted to result in the amino acid substitution p.Gly63Ser. To our knowledge, this variant has not been reported in the literature. This variant is reported in 0.0091% of alleles in individuals of Latino descent in gnomAD. Although we suspect that this variant may be benign, at this time, the clinical significance of this variant is uncertain due to the absence of conclusive functional and genetic evidence.

Labcorp Genetics (formerly Invitae), Labcorp
Classification: Benign for Tatton-Brown-Rahman overgrowth syndrome. Last evaluated: 2025-01-13. Review status: criteria provided, single submitter. Criteria: Invitae Variant Classification Sherloc (09022015). Collection method: clinical testing. Allele origin: germline.

CeGaT Center for Human Genetics Tuebingen
Classification: Likely benign. Last evaluated: 2024-02-01. Review status: criteria provided, single submitter. Criteria: CeGaT Center For Human Genetics Tuebingen Variant Classification Criteria Version 2. Collection method: clinical testing. Allele origin: germline. Affected: yes. Observed: 1 variant allele.
Comment: DNMT3A: BP4